The following is an entry in ClinVar:

NM_000399.5(EGR2):c.947C>T (p.Pro316Leu)

Gene: EGR2 (early growth response 2; minus strand). Cytogenetic location: 10q21.3.
Variant type: single nucleotide variant.
Coding change: c.947C>T on transcript NM_000399.5 (MANE Select); coding-DNA position 947, C replaced by T.
Protein change: p.Pro316Leu; replaces proline 316 with leucine.
Molecular consequence: missense variant.
Genome position (GRCh38, 1-based): chr10:62,813,691, G>A on the plus strand (C>T on the coding strand, the complement: EGR2 is on the minus strand). VCF-style: chr10-62813691-G-A. GRCh37 (hg19) VCF-style: chr10-64573451-G-A.
Other names: c.947C>T, p.Pro316Leu (NM_001136177.3, NM_001136178.2); c.797C>T, p.Pro266Leu (NM_001136179.3, NM_001321037.2); short protein forms P316L, P266L.
Identifiers: ClinVar variation 651155 (VCV000651155.7), dbSNP rs1589080747, ClinGen allele CA377028313.

ClinVar aggregate classification (germline): Uncertain significance (1 of 4 stars; one submission).

Conditions:
Charcot-Marie-Tooth disease, type I (CMT1). Also called: Charcot-Marie-Tooth disease type 1; Charcot-Marie-Tooth, Type 1. Identifiers: Orphanet 65753, MedGen C0751036, MONDO:0019011.

Submission:

Labcorp Genetics (formerly Invitae), Labcorp
Classification: Uncertain significance for Charcot-Marie-Tooth disease, type I. Last evaluated: 2018-11-20. Review status: criteria provided, single submitter. Criteria: Invitae Variant Classification Sherloc (09022015). Collection method: clinical testing. Allele origin: germline.
Comment: In summary, the available evidence is currently insufficient to determine the role of this variant in disease. Therefore, it has been classified as a Variant of Uncertain Significance. Algorithms developed to predict the effect of missense changes on protein structure and function are either unavailable or do not agree on the potential impact of this missense change (SIFT: "Deleterious"; PolyPhen-2: "Possibly Damaging"; Align-GVGD: "Class C0"). This variant has not been reported in the literature in individuals with EGR2-related disease. This variant is not present in population databases (ExAC no frequency). This sequence change replaces proline with leucine at codon 316 of the EGR2 protein (p.Pro316Leu). The proline residue is highly conserved and there is a moderate physicochemical difference between proline and leucine.